The following is an entry in ClinVar:

NM_022370.4(ROBO3):c.733C>T (p.Arg245Trp)

Gene: ROBO3 (roundabout guidance receptor 3; plus strand). Cytogenetic location: 11q24.2.
Variant type: single nucleotide variant.
Coding change: c.733C>T on transcript NM_022370.4 (MANE Select); coding-DNA position 733, C replaced by T.
Protein change: p.Arg245Trp; replaces arginine 245 with tryptophan.
Molecular consequence: missense variant.
Genome position (GRCh38, 1-based): chr11:124,870,035, C>T. VCF-style: chr11-124870035-C-T. GRCh37 (hg19) VCF-style: chr11-124739931-C-T.
Other names: short protein forms R245W.
Identifiers: ClinVar variation 2184 (VCV000002184.9), dbSNP rs121918277, ClinGen allele CA115391.

ClinVar aggregate classification (germline): Likely pathogenic. Review status: criteria provided, multiple submitters, no conflicts (2 of 4 stars). 3 submissions from 3 submitters: Likely pathogenic (2). 1 of the submissions does not count toward it. Last evaluated 2021-01-09.

Conditions:
Gaze palsy, familial horizontal, with progressive scoliosis 1 (HGPPS1). Identifiers: Orphanet 2744, MedGen C4551964, MONDO:0020790, OMIM 607313.

Allele frequency attached by ClinVar (database versions not stated): gnomAD 0.00001.
gnomAD v4.1: 38 of 1,613,822 alleles (0.0024%); highest among the groups gnomAD compares: Non-Finnish European, 0.0026%; no homozygotes.

Submissions (3):

Institute of Human Genetics, University of Leipzig Medical Center
Classification: Likely pathogenic for Gaze palsy, familial horizontal, with progressive scoliosis 1. Last evaluated: 2021-01-09. Review status: criteria provided, single submitter. Criteria: ACMG Guidelines, 2015. Collection method: curation. Allele origin: germline. Inheritance: Autosomal recessive inheritance. Affected: yes.
Comment: This ROBO3 variant was reported as Pathogenicâ€‹ in PMID: 16525029; PMID: 19633821 with original nomenclature reported as 733C->T, R245W, c.733C>T, R245W. Variant was re-classified as Likely Pathogenic based on the criteria PM2_Supporting, PM3_Strong, PP3_Supporting, PP4_Supporting.

Neuberg Centre For Genomic Medicine, NCGM
Classification: Likely pathogenic for Gaze palsy, familial horizontal, with progressive scoliosis 1. Review status: criteria provided, single submitter. Criteria: ACMG Guidelines, 2015. Collection method: clinical testing. Allele origin: germline. Inheritance: Autosomal recessive inheritance. Affected: yes.
Comment: The observed missense c.733C>T(p.Arg245Trp) variant in ROBO3 gene has been reported in homozygous or compound heterozygous state in multiple individuals affected with Horizontal Gaze Palsy (Chan WM, et. al.,2006; Amouri R, et. al., 2009). This variant has been observed to segregate with disease (Chan WM, et. al.,2006). This variant is present with an allele frequency of 0.001% in gnomAD Exomes database. This variant has been submitted to the ClinVar database as Uncertain Significance/ Pathogenic/ Likely Pathogenic. The amino acid change p.Arg245Trp in ROBO3 is predicted as conserved by GERP++ and PhyloP across 100 vertebrates. The amino acid Arg at position 245 is changed to a Trp changing protein sequence and it might alter its composition and physico-chemical properties. Functional studies are required to prove pathogenicity of the variant. For these reasons, this variant has been classified as Likely Pathogenic.

OMIM
Classification: Pathogenic for GAZE PALSY, FAMILIAL HORIZONTAL, WITH PROGRESSIVE SCOLIOSIS 1. Last evaluated: 2006-03-01. Review status: no assertion criteria provided. Collection method: literature only. Allele origin: germline. Not counted in ClinVar's aggregate classification.

Literature cited by the submitters: PubMed 16525029 (cited by Institute of Human Genetics, University of Leipzig Medical Center and OMIM); PubMed 19633821 (cited by Institute of Human Genetics, University of Leipzig Medical Center).